The following is an entry in ClinVar:

NM_001387220.1(IKZF2):c.742G>C (p.Glu248Gln)

Gene: IKZF2 (IKAROS family zinc finger 2; minus strand). Cytogenetic location: 2q34.
Variant type: single nucleotide variant.
Coding change: c.742G>C on transcript NM_001387220.1 (MANE Select); coding-DNA position 742, G replaced by C.
Protein change: p.Glu248Gln; replaces glutamic acid 248 with glutamine.
Molecular consequence: missense variant. On other transcripts: intron variant (1).
Genome position (GRCh38, 1-based): chr2:213,013,905, C>G on the plus strand (G>C on the coding strand, the complement: IKZF2 is on the minus strand). VCF-style: chr2-213013905-C-G. GRCh37 (hg19) VCF-style: chr2-213878629-C-G.
Other names: c.664G>C, p.Glu222Gln (NM_001079526.2, NM_001371275.1, NM_001371276.1); c.742G>C, p.Glu248Gln (NM_001371274.1, NM_016260.3); c.632-5821G>C (NM_001371277.1); short protein forms E222Q, E248Q.
Identifiers: ClinVar variation 3109030 (VCV003109030.2), dbSNP rs145902163, ClinGen allele CA2088799.

ClinVar aggregate classification (germline): Uncertain significance. Review status: criteria provided, multiple submitters, no conflicts (2 of 4 stars). 2 submissions from 2 submitters: Uncertain significance (2). Last evaluated 2025-06-23.

Conditions:
IKZF2-related condition.

Allele frequency attached by ClinVar (database versions not stated): ExAC 0.00002; gnomAD 0.00005; TOPMed 0.00006; ESP Exome Variant Server 0.00008; gnomAD exomes 0.00010.
gnomAD v4.1: 144 of 1,611,548 alleles (0.0089%); highest among the groups gnomAD compares: Non-Finnish European, 0.012%; no homozygotes.

Submissions (2):

PreventionGenetics, part of Exact Sciences
Classification: Uncertain significance for IKZF2-related condition. Last evaluated: 2025-06-23. Review status: criteria provided, single submitter. Criteria: ACMG Guidelines, 2015. Collection method: clinical testing. Allele origin: germline.
Comment: The IKZF2 c.742G>C variant is predicted to result in the amino acid substitution p.Glu248Gln. To our knowledge, this variant has not been reported in the literature. This variant is reported in 0.0039% of alleles in individuals of European (Non-Finnish) descent in gnomAD. At this time, the clinical significance of this variant is uncertain due to the absence of conclusive functional and genetic evidence.

Ambry Genetics
Classification: Uncertain significance. Last evaluated: 2024-02-22. Review status: criteria provided, single submitter. Criteria: Ambry Variant Classification Scheme 2023. Collection method: clinical testing. Allele origin: germline.